The following is an entry in ClinVar:

NM_201253.3(CRB1):c.2248G>A (p.Gly750Ser)

Gene: CRB1 (crumbs cell polarity complex component 1; plus strand). Cytogenetic location: 1q31.3.
Variant type: single nucleotide variant.
Coding change: c.2248G>A on transcript NM_201253.3 (MANE Select); coding-DNA position 2248, G replaced by A.
Protein change: p.Gly750Ser; replaces glycine 750 with serine.
Molecular consequence: missense variant. On other transcripts: non-coding transcript variant (2), intron variant (1).
Genome position (GRCh38, 1-based): chr1:197,427,573, G>A. VCF-style: chr1-197427573-G-A. GRCh37 (hg19) VCF-style: chr1-197396703-G-A.
Other names: c.1912G>A, p.Gly638Ser (NM_001193640.2); c.2041G>A, p.Gly681Ser (NM_001257965.2); c.2128+5617G>A (NM_001257966.2); short protein forms G638S, G681S, G750S.
Identifiers: ClinVar variation 1473421 (VCV001473421.8), dbSNP rs2125483920, ClinGen allele CA344036801.

ClinVar aggregate classification (germline): Likely pathogenic (1 of 4 stars; one submission).

Conditions:
Retinitis pigmentosa 12 (RP12). Also called: RP WITH OR WITHOUT PPRPE; RP WITH OR WITHOUT PRESERVED PARAARTERIOLE RETINAL PIGMENT EPITHELIUM; RETINITIS PIGMENTOSA WITH OR WITHOUT PARAARTERIOLAR PRESERVATION OF RETINAL PIGMENT EPITHELIUM. Identifiers: Orphanet 791, MedGen C1838647, MONDO:0010818, OMIM 600105.
Leber congenital amaurosis 8 (LCA8). Identifiers: Orphanet 65, MedGen C3151202, MONDO:0013453, OMIM 613835.

Submission:

Labcorp Genetics (formerly Invitae), Labcorp
Classification: Likely pathogenic for Leber congenital amaurosis 8; Retinitis pigmentosa 12. Last evaluated: 2021-02-10. Review status: criteria provided, single submitter. Criteria: Invitae Variant Classification Sherloc (09022015). Collection method: clinical testing. Allele origin: germline.
Comment: This variant is not present in population databases (ExAC no frequency). In summary, the currently available evidence indicates that the variant is pathogenic, but additional data are needed to prove that conclusively. Therefore, this variant has been classified as Likely Pathogenic. This variant disrupts the p.Gly750 amino acid residue in CRB1. Other variant(s) that disrupt this residue have been determined to be pathogenic (PMID: 28559085). This suggests that this residue is clinically significant, and that variants that disrupt this residue are likely to be disease-causing. Advanced modeling of protein sequence and biophysical properties (such as structural, functional, and spatial information, amino acid conservation, physicochemical variation, residue mobility, and thermodynamic stability) performed at Invitae indicates that this missense variant is expected to disrupt CRB1 protein function. This variant has been observed in individual(s) with retinitis pigmentosa (PMID: 23591405). This sequence change replaces glycine with serine at codon 750 of the CRB1 protein (p.Gly750Ser). The glycine residue is highly conserved and there is a small physicochemical difference between glycine and serine.

Literature cited by the submitters: PubMed 28559085; PubMed 23591405.